The following is an entry in ClinVar:

ClinVar aggregate classification (germline): Uncertain significance (1 of 4 stars; one submission).

Submission:

Women's Health and Genetics/Laboratory Corporation of America, LabCorp
Classification: Uncertain significance. Last evaluated: 2024-09-13. Review status: criteria provided, single submitter. Criteria: LabCorp Variant Classification Summary - May 2015. Collection method: clinical testing. Allele origin: germline.
Comment: Variant summary: SRRM2 c.4883C>T (p.Ala1628Val) results in a non-conservative amino acid change in the encoded protein sequence. Four of five in-silico tools predict a benign effect of the variant on protein function. The variant was absent in 251164 control chromosomes. The available data on variant occurrences in the general population are insufficient to allow any conclusion about variant significance. To our knowledge, no occurrence of c.4883C>T in individuals affected with Intellectual Developmental Disorder, Autosomal Dominant 72 and no experimental evidence demonstrating its impact on protein function have been reported. No submitters have cited clinical-significance assessments for this variant to ClinVar. Based on the evidence outlined above, the variant was classified as uncertain significance.

NM_016333.4(SRRM2):c.4883C>T (p.Ala1628Val)

Gene: SRRM2 (serine/arginine repetitive matrix 2; plus strand). Cytogenetic location: 16p13.3.
Variant type: single nucleotide variant.
Coding change: c.4883C>T on transcript NM_016333.4 (MANE Select); coding-DNA position 4883, C replaced by T.
Protein change: p.Ala1628Val; replaces alanine 1628 with valine.
Molecular consequence: missense variant.
Genome position (GRCh38, 1-based): chr16:2,765,411, C>T. VCF-style: chr16-2765411-C-T. GRCh37 (hg19) VCF-style: chr16-2815412-C-T.
Other names: short protein forms A1628V.
Identifiers: ClinVar variation 3374842 (VCV003374842.1).
Genomic context (GRCh38, chr16:2,765,411, plus strand): 5'-CAAGAGCAGCACCCAGGGCACAGAGTGGTTCTGATTCCTCTCCTGAACCTAAAGCTCCAG[C>T]CCCTCGGGCCCTTCCCAGACGAAGCAGATCAGGTTCATCAAGCAAAGGCAGAGGCCCTTC-3'
Protein context (NP_057417.3, residues 1618-1638): SDSSPEPKAP[Ala1628Val]PRALPRRSRS